The following is an entry in ClinVar:

NM_017802.4(DNAAF5):c.1856C>G (p.Pro619Arg)

Gene: DNAAF5 (dynein axonemal assembly factor 5; plus strand). Cytogenetic location: 7p22.3.
Variant type: single nucleotide variant.
Coding change: c.1856C>G on transcript NM_017802.4 (MANE Select); coding-DNA position 1856, C replaced by G.
Protein change: p.Pro619Arg; replaces proline 619 with arginine.
Molecular consequence: missense variant. On other transcripts: non-coding transcript variant (1).
Genome position (GRCh38, 1-based): chr7:770,543, C>G. VCF-style: chr7-770543-C-G. GRCh37 (hg19) VCF-style: chr7-810180-C-G.
Other names: short protein forms P619R.
Identifiers: ClinVar variation 1000540 (VCV001000540.9), dbSNP rs755871359, ClinGen allele CA366543144.
Genomic context (GRCh38, chr7:770,543, plus strand): 5'-GAGAAGCCCTGCCACACGTCGTGCCCACGCTGAGGGCCTGTCTGCAGCCCTCCCAAGACC[C>G]GCAGATGCGCCTGAAGCTGTTCTCCATCCTGTCCACCGTGCTGCTCAGAGCCACGGACAC-3'
Protein context (NP_060272.3, residues 609-629): LRACLQPSQD[Pro619Arg]QMRLKLFSIL

ClinVar aggregate classification (germline): Uncertain significance (1 of 4 stars; one submission).

Conditions:
Primary ciliary dyskinesia. Also called: Ciliary dyskinesia. Identifiers: Orphanet 244, MedGen C0008780, MONDO:0016575, HP:0012265.

Allele frequency attached by ClinVar (database versions not stated): TOPMed 0.00001.
gnomAD v4.1: 1 of 1,613,844 alleles (0.000062%); highest among the groups gnomAD compares: Non-Finnish European, 0.000085%; no homozygotes.

Submission:

Labcorp Genetics (formerly Invitae), Labcorp
Classification: Uncertain significance for Primary ciliary dyskinesia. Last evaluated: 2023-07-21. Review status: criteria provided, single submitter. Criteria: Invitae Variant Classification Sherloc (09022015). Collection method: clinical testing. Allele origin: germline.
Comment: In summary, the available evidence is currently insufficient to determine the role of this variant in disease. Therefore, it has been classified as a Variant of Uncertain Significance. Advanced modeling of protein sequence and biophysical properties (such as structural, functional, and spatial information, amino acid conservation, physicochemical variation, residue mobility, and thermodynamic stability) performed at Invitae indicates that this missense variant is expected to disrupt DNAAF5 protein function. ClinVar contains an entry for this variant (Variation ID: 1000540). This variant has not been reported in the literature in individuals affected with DNAAF5-related conditions. This variant is not present in population databases (gnomAD no frequency). This sequence change replaces proline, which is neutral and non-polar, with arginine, which is basic and polar, at codon 619 of the DNAAF5 protein (p.Pro619Arg).